The following is an entry in ClinVar:

ClinVar aggregate classification (germline): Conflicting classifications of pathogenicity. Review status: criteria provided, conflicting classifications (1 of 4 stars). 8 submissions from 8 submitters: Uncertain significance (5); Likely benign (1). 2 of the submissions do not count toward it. Last evaluated 2026-09-17.

Conditions:
Alport syndrome. Also called: Hemorrhagic familial nephritis; Hemorrhagic hereditary nephritis; Congenital hereditary hematuria. Identifiers: Orphanet 63, MedGen C1567741, MONDO:0018965.
Autosomal recessive Alport syndrome (ATS2). Also called: COL4A3-Related Nephropathy; COL4A4 Alport Syndrome and Thin Basement Membrane Nephropathy; ALPORT SYNDROME 2, AUTOSOMAL RECESSIVE; Alport syndrome type 2. Identifiers: Orphanet 63, Orphanet 88919, MedGen C4746745, MONDO:0008762, OMIM 203780.
Autosomal dominant Alport syndrome (ATS3A). Also called: Alport syndrome dominant type; Renal failure and sensorineural hearing loss; ALPORT SYNDROME 3A, AUTOSOMAL DOMINANT. Identifiers: Orphanet 63, Orphanet 88918, MedGen C5882663, MONDO:0007086, OMIM 104200.

Allele frequency attached by ClinVar (database versions not stated): gnomAD 0.00011; ExAC 0.00019; TOPMed 0.00014; gnomAD exomes 0.00021 and 0.00015; ESP Exome Variant Server 0.00017.
gnomAD v4.1: 321 of 1,601,814 alleles (0.02%); highest among the groups gnomAD compares: Non-Finnish European, 0.026%; no homozygotes.

Submissions (8):

GeneDx
Classification: Uncertain significance. Last evaluated: 2026-09-17. Review status: criteria provided, single submitter. Criteria: GeneDx Variant Classification Process June 2021. Collection method: clinical testing. Allele origin: germline.
Comment: In silico analysis suggests that this missense variant does not alter protein structure/function; Occurs in the triple helical domain at the Y position in the canonical Gly-X-Y repeat; although this variant may have an effect on normal protein folding and function, missense substitutions at the Y position are not a common mechanism of disease; This variant is associated with the following publications: (PMID: 41292648, 39907758)

Labcorp Genetics (formerly Invitae), Labcorp
Classification: Likely benign. Last evaluated: 2025-12-17. Review status: criteria provided, single submitter. Criteria: Invitae Variant Classification Sherloc (09022015). Collection method: clinical testing. Allele origin: germline.

Myriad Genetics, Inc.
Classification: Uncertain significance for Alport syndrome. Last evaluated: 2025-11-05. Review status: criteria provided, single submitter. Criteria: Myriad Autosomal Dominant, Autosomal Recessive and X-Linked Classification Criteria (2023). Collection method: clinical testing. Allele origin: unknown.
Comment: NM_000091.4(COL4A3):c.3644G>A(R1215Q) is a missense variant classified as a variant of uncertain significance in the context of Alport syndrome, COL4A3-related. R1215Q has been observed in cases with relevant disease (PMID: 11134255, 39907758). Relevant functional assessments of this variant are not available in the literature. R1215Q has been observed in referenced population frequency databases. In summary, there is insufficient evidence to classify NM_000091.4(COL4A3):c.3644G>A(R1215Q) as pathogenic or benign. Please note: this variant was assessed in the context of healthy population screening.

Johns Hopkins Genomics, Johns Hopkins University
Classification: Uncertain significance for Autosomal dominant Alport syndrome. Last evaluated: 2019-10-18. Review status: criteria provided, single submitter. Criteria: ACMG Guidelines, 2015. Collection method: clinical testing. Allele origin: germline.
Comment: This variant (rs200443942) is present in a large population dataset5 (gnomAD: 35/253468 total alleles; 0.014%; no homozygotes). This missense substitution is located within the collagenous domain of COL4A3. Three bioinformatic tools queried predict that this substitution would be tolerated, and the arginine residue at this position is poorly evolutionarily conserved across the species assessed. Due to insufficient evidence, we consider the clinical significance of c.3644G>A to be uncertain at this time.

MVZ Martinsried, Medicover Genetics
Classification: Uncertain significance for Autosomal recessive Alport syndrome. Last evaluated: 2019-03-15. Review status: criteria provided, single submitter. Criteria: ACMG Guidelines, 2015. Collection method: clinical testing. Allele origin: unknown. Affected: yes.

Illumina Laboratory Services, Illumina
Classification: Uncertain significance for Alport syndrome. Last evaluated: 2018-01-12. Review status: criteria provided, single submitter. Criteria: ICSL Variant Classification Criteria 13 December 2019. Collection method: clinical testing. Allele origin: germline.

Clinical Genetics DNA and cytogenetics Diagnostics Lab, Erasmus MC, Erasmus Medical Center
Classification: Likely benign. Review status: no assertion criteria provided. Collection method: clinical testing. Allele origin: germline. Affected: yes. Study: VKGL Data-share Consensus. Not counted in ClinVar's aggregate classification.

Genome Diagnostics Laboratory, University Medical Center Utrecht
Classification: Likely benign. Review status: no assertion criteria provided. Collection method: clinical testing. Allele origin: germline. Affected: yes. Study: VKGL Data-share Consensus. Not counted in ClinVar's aggregate classification.

Literature cited by the submitters: PubMed 11134255 (cited by Myriad Genetics, Inc.); PubMed 39907758 (cited by Myriad Genetics, Inc.).

NM_000091.5(COL4A3):c.3644G>A (p.Arg1215Gln)

Genes: COL4A3 (collagen type IV alpha 3 chain; plus strand), MFF-DT (MFF divergent transcript; minus strand). Cytogenetic location: 2q36.3.
Variant type: single nucleotide variant.
Coding change: c.3644G>A on transcript NM_000091.5 (MANE Select); coding-DNA position 3644, G replaced by A.
Protein change: p.Arg1215Gln; replaces arginine 1215 with glutamine.
Molecular consequence: missense variant.
Genome position (GRCh38, 1-based): chr2:227,297,752, G>A. VCF-style: chr2-227297752-G-A. GRCh37 (hg19) VCF-style: chr2-228162468-G-A.
Other names: short protein forms R1215Q.
Identifiers: ClinVar variation 816652 (VCV000816652.19), dbSNP rs200443942, ClinGen allele CA2147315.